The following is an entry in ClinVar:

ClinVar aggregate classification (germline): Uncertain significance (1 of 4 stars; one submission).

Allele frequency attached by ClinVar (database versions not stated): TOPMed below 0.00001; gnomAD 0.00001; gnomAD exomes 0.00001; ExAC 0.00002.
gnomAD v4.1: 12 of 1,613,558 alleles (0.00074%); highest among the groups gnomAD compares: Middle Eastern, 0.017%; no homozygotes.

Submission:

Ambry Genetics
Classification: Uncertain significance. Last evaluated: 2023-10-02. Review status: criteria provided, single submitter. Criteria: Ambry Variant Classification Scheme 2023. Collection method: clinical testing. Allele origin: germline.
Comment: The p.A1629T variant (also known as c.4885G>A), located in coding exon 37 of the MYOM1 gene, results from a G to A substitution at nucleotide position 4885. The alanine at codon 1629 is replaced by threonine, an amino acid with similar properties. This amino acid position is conserved. In addition, this alteration is predicted to be tolerated by in silico analysis. Since supporting evidence is limited at this time, the clinical significance of this alteration remains unclear.

NM_003803.4(MYOM1):c.4885G>A (p.Ala1629Thr)

Gene: MYOM1 (myomesin 1; minus strand). Cytogenetic location: 18p11.31.
Variant type: single nucleotide variant.
Coding change: c.4885G>A on transcript NM_003803.4 (MANE Select); coding-DNA position 4885, G replaced by A.
Protein change: p.Ala1629Thr; replaces alanine 1629 with threonine.
Molecular consequence: missense variant.
Genome position (GRCh38, 1-based): chr18:3,067,435, C>T on the plus strand (G>A on the coding strand, the complement: MYOM1 is on the minus strand). VCF-style: chr18-3067435-C-T. GRCh37 (hg19) VCF-style: chr18-3067433-C-T.
Other names: c.4597G>A, p.Ala1533Thr (NM_019856.2); short protein forms A1533T, A1629T.
Identifiers: ClinVar variation 3223572 (VCV003223572.1), dbSNP rs763189783, ClinGen allele CA8873737.